The following is an entry in ClinVar:

NM_020738.4(KIDINS220):c.256A>G (p.Ile86Val)

Gene: KIDINS220 (kinase D interacting substrate 220; minus strand). Cytogenetic location: 2p25.1.
Variant type: single nucleotide variant.
Coding change: c.256A>G on transcript NM_020738.4 (MANE Select); coding-DNA position 256, A replaced by G.
Protein change: p.Ile86Val; replaces isoleucine 86 with valine.
Molecular consequence: missense variant. On other transcripts: non-coding transcript variant (2).
Genome position (GRCh38, 1-based): chr2:8,817,668, T>C on the plus strand (A>G on the coding strand, the complement: KIDINS220 is on the minus strand). VCF-style: chr2-8817668-T-C. GRCh37 (hg19) VCF-style: chr2-8957798-T-C.
Other names: c.256A>G, p.Ile86Val (NM_001348729.2, NM_001348731.2, NM_001348732.2 and 9 more transcripts); c.130A>G, p.Ile44Val (NM_001348736.2); short protein forms I44V, I86V.
Identifiers: ClinVar variation 3348358 (VCV003348358.1).

ClinVar aggregate classification (germline): Uncertain significance (0 of 4 stars; one submission).

Conditions:
KIDINS220-related disorder. Also called: KIDINS220-related condition.

Submission:

PreventionGenetics, part of Exact Sciences
Classification: Uncertain significance for KIDINS220-related condition. Last evaluated: 2024-01-31. Review status: no assertion criteria provided. Collection method: clinical testing. Allele origin: germline.
Comment: The KIDINS220 c.256A>G variant is predicted to result in the amino acid substitution p.Ile86Val. To our knowledge, this variant has not been reported in the literature. This variant is reported in 0.00089% of alleles in individuals of European (Non-Finnish) descent in gnomAD. At this time, the clinical significance of this variant is uncertain due to the absence of conclusive functional and genetic evidence.